The following is an entry in ClinVar:

ClinVar aggregate classification (germline): Uncertain significance. Review status: criteria provided, multiple submitters, no conflicts (2 of 4 stars). 3 submissions from 3 submitters: Uncertain significance (3). Last evaluated 2026-05-11.

Conditions:
Inborn genetic diseases. Identifiers: MedGen C0950123, MeSH D030342.

gnomAD v4.1: 13 of 1,595,002 alleles (0.00082%); highest among the groups gnomAD compares: East Asian, 0.0045%; 2 homozygotes.

Submissions (3):

Ambry Genetics
Classification: Uncertain significance for Inborn genetic diseases. Last evaluated: 2026-05-11. Review status: criteria provided, single submitter. Criteria: Ambry Variant Classification Scheme 2023. Collection method: clinical testing. Allele origin: germline.

Labcorp Genetics (formerly Invitae), Labcorp
Classification: Uncertain significance. Last evaluated: 2025-09-08. Review status: criteria provided, single submitter. Criteria: Invitae Variant Classification Sherloc (09022015). Collection method: clinical testing. Allele origin: germline.
Comment: This sequence change replaces isoleucine, which is neutral and non-polar, with leucine, which is neutral and non-polar, at codon 564 of the KIAA1549 protein (p.Ile564Leu). This variant is not present in population databases (gnomAD no frequency). This variant has not been reported in the literature in individuals affected with KIAA1549-related conditions. ClinVar contains an entry for this variant (Variation ID: 1063252). An algorithm developed to predict the effect of missense changes on protein structure and function outputs the following: PolyPhen-2: "Benign". The leucine amino acid residue is found in multiple mammalian species, which suggests that this missense change does not adversely affect protein function. In summary, the available evidence is currently insufficient to determine the role of this variant in disease. Therefore, it has been classified as a Variant of Uncertain Significance.

Blueprint Genetics
Classification: Uncertain significance. Last evaluated: 2022-09-01. Review status: criteria provided, single submitter. Criteria: ACMG Guidelines, 2015. Collection method: clinical testing. Allele origin: germline.

NM_001164665.2(KIAA1549):c.1690A>C (p.Ile564Leu)

Gene: KIAA1549 (KIAA1549; minus strand). Cytogenetic location: 7q34.
Variant type: single nucleotide variant.
Coding change: c.1690A>C on transcript NM_001164665.2 (MANE Select); coding-DNA position 1690, A replaced by C.
Protein change: p.Ile564Leu; replaces isoleucine 564 with leucine.
Molecular consequence: missense variant.
Genome position (GRCh38, 1-based): chr7:138,917,936, T>G on the plus strand (A>C on the coding strand, the complement: KIAA1549 is on the minus strand). VCF-style: chr7-138917936-T-G. GRCh37 (hg19) VCF-style: chr7-138602682-T-G.
Other names: c.1690A>C (NM_001164665.1); c.1690A>C, p.Ile564Leu (NM_020910.3); short protein forms I564L.
Identifiers: ClinVar variation 1063252 (VCV001063252.10), dbSNP rs1342788818, ClinGen allele CA369397692.